The following is an entry in ClinVar:

NC_000004.11:g.(?_151814184)_(151935814_?)dup

Gene: LRBA (LPS responsive beige-like anchor protein; minus strand). Cytogenetic location: 4q31.3.
Variant type: Duplication.
Identifiers: ClinVar variation 1004058 (VCV001004058.1).

ClinVar aggregate classification (germline): Uncertain significance (1 of 4 stars; one submission).

Conditions:
Combined immunodeficiency due to LRBA deficiency. Also called: Common variable immunodeficiency 8, with autoimmunity. Identifiers: Orphanet 445018, MedGen C3553512, MONDO:0013863, OMIM 614700.

Submission:

Labcorp Genetics (formerly Invitae), Labcorp
Classification: Uncertain significance for Combined immunodeficiency due to LRBA deficiency. Last evaluated: 2020-02-20. Review status: criteria provided, single submitter. Criteria: Invitae Variant Classification Sherloc (09022015). Collection method: clinical testing. Allele origin: germline.
Comment: This variant results in a copy number gain of the genomic region encompassing exons 2-17 of the LRBA gene, which includes the initiator codon. The 5' end of this event is unknown as it extends beyond the assayed region for this gene and therefore may encompass additional genes. The 3' boundary is likely confined to intron 17 of the LRBA gene. As the precise location of this event is unknown, it may be in tandem or it may be located elsewhere in the genome. This variant has not been reported in the literature in individuals with LRBA-related conditions. In summary, the available evidence is currently insufficient to determine the role of this variant in disease. Therefore, it has been classified as a Variant of Uncertain Significance.